The following is an entry in ClinVar:

NM_001142800.2(EYS):c.7700_7702del (p.Ala2567del)

Gene: EYS (eyes shut homolog; minus strand). Cytogenetic location: 6q12.
Variant type: Deletion.
Coding change: c.7700_7702del on transcript NM_001142800.2 (MANE Select); coding-DNA positions 7700 to 7702, 3 bases deleted (CAG; older notation c.7700_7702delCAG).
Protein change: p.Ala2567del; deletes alanine 2567.
Molecular consequence: inframe deletion.
Genome position (GRCh38, 1-based): chr6:63,788,126-63,788,128, CTG deleted on the plus strand (CAG on the coding strand, the reverse complement: EYS is on the minus strand); deleting any 3 consecutive bases within chr6:63,788,126-63,788,130 gives the same sequence; the c. name uses the placement nearest the transcript's 3' end. VCF-style (leftmost placement, unchanged base first): chr6-63788125-TCTG-T. GRCh37 (hg19) VCF-style: chr6-64498018-TCTG-T.
Other names: c.7700_7702del, p.Ala2567del (NM_001292009.2); short protein forms A2567del.
Identifiers: ClinVar variation 1436164 (VCV001436164.5), dbSNP rs371899196, ClinGen allele CA140243934.

ClinVar aggregate classification (germline): Uncertain significance (1 of 4 stars; one submission).

Submission:

Labcorp Genetics (formerly Invitae), Labcorp
Classification: Uncertain significance. Last evaluated: 2022-07-06. Review status: criteria provided, single submitter. Criteria: Invitae Variant Classification Sherloc (09022015). Collection method: clinical testing. Allele origin: germline.
Comment: This variant, c.7700_7702del, results in the deletion of 1 amino acid(s) of the EYS protein (p.Ala2567del), but otherwise preserves the integrity of the reading frame. This variant is not present in population databases (gnomAD no frequency). This variant has not been reported in the literature in individuals affected with EYS-related conditions. ClinVar contains an entry for this variant (Variation ID: 1436164). Experimental studies and prediction algorithms are not available or were not evaluated, and the functional significance of this variant is currently unknown. In summary, the available evidence is currently insufficient to determine the role of this variant in disease. Therefore, it has been classified as a Variant of Uncertain Significance.